The following is an entry in ClinVar:

NM_007294.4(BRCA1):c.4057G>A (p.Glu1353Lys)

Genes: BRCA1 (BRCA1 DNA repair associated; minus strand), LOC126862571 (BRD4-independent group 4 enhancer GRCh37_chr17:41243136-41244335; plus strand). Cytogenetic location: 17q21.31.
Variant type: single nucleotide variant.
Coding change: c.4057G>A on transcript NM_007294.4 (MANE Select); coding-DNA position 4057, G replaced by A.
Protein change: p.Glu1353Lys; replaces glutamic acid 1353 with lysine.
Molecular consequence: missense variant. On other transcripts: intron variant (135).
Genome position (GRCh38, 1-based): chr17:43,091,474, C>T on the plus strand (G>A on the coding strand, the complement: BRCA1 is on the minus strand). VCF-style: chr17-43091474-C-T. GRCh37 (hg19) VCF-style: chr17-41243491-C-T.
Other names: c.3913G>A, p.Glu1305Lys (NM_001407748.1, NM_001407749.1, NM_001407842.1 and 20 more transcripts); c.3916G>A, p.Glu1306Lys (NM_001407750.1, NM_001407751.1, NM_001407752.1 and 29 more transcripts); c.4057G>A, p.Glu1353Lys (NM_001407854.1, NM_001407858.1, NM_001407859.1 and 30 more transcripts); c.3844G>A, p.Glu1282Lys (NM_001407853.1, NM_001407571.1, NM_001407894.1 and 9 more transcripts); c.4054G>A, p.Glu1352Lys (NM_001407860.1, NM_001407861.1, NM_001407610.1 and 22 more transcripts); c.3856G>A, p.Glu1286Lys (NM_001407862.1); c.3934G>A, p.Glu1312Lys (NM_001407863.1, NM_001407648.1, NM_001407664.1 and 19 more transcripts); c.4048G>A, p.Glu1350Lys (NM_001407646.1, NM_001407647.1); and 41 more; short protein forms E1306K, E1353K, E1057K, E1241K, E1242K, E1311K, E1312K, E1326K.
Identifiers: ClinVar variation 655565 (VCV000655565.13), dbSNP rs80357178, ClinGen allele CA10593850.

ClinVar aggregate classification (germline): Conflicting classifications of pathogenicity. Review status: criteria provided, conflicting classifications (1 of 4 stars). 3 submissions from 3 submitters: Uncertain significance (2); Likely benign (1). Last evaluated 2024-12-10.

Conditions:
Hereditary cancer-predisposing syndrome. Also called: Hereditary neoplastic syndrome; Tumor predisposition; Neoplastic Syndromes, Hereditary; Hereditary Cancer Syndrome. Identifiers: Orphanet 140162, MedGen C0027672, MeSH D009386, MONDO:0015356.
Hereditary breast ovarian cancer syndrome. Also called: Hereditary breast and ovarian cancer; Hereditary breast and/or ovarian cancer syndrome; Breast and ovarian cancer; BRCA1- and BRCA2-Associated Hereditary Breast and Ovarian Cancer; Hereditary breast and ovarian cancer syndrome; Hereditary breast and ovarian cancer syndrome (HBOC). Identifiers: Orphanet 145, MedGen C0677776, MeSH D061325, MONDO:0003582. Disease mechanism: loss of function.

gnomAD v4.1: 1 of 1,613,502 alleles (0.000062%); no homozygotes.

Submissions (3):

Labcorp Genetics (formerly Invitae), Labcorp
Classification: Uncertain significance for Hereditary breast ovarian cancer syndrome. Last evaluated: 2024-12-10. Review status: criteria provided, single submitter. Criteria: Invitae Variant Classification Sherloc (09022015). Collection method: clinical testing. Allele origin: germline.
Comment: This sequence change replaces glutamic acid, which is acidic and polar, with lysine, which is basic and polar, at codon 1353 of the BRCA1 protein (p.Glu1353Lys). This variant is not present in population databases (gnomAD no frequency). This variant has not been reported in the literature in individuals affected with BRCA1-related conditions. ClinVar contains an entry for this variant (Variation ID: 655565). Invitae Evidence Modeling of protein sequence and biophysical properties (such as structural, functional, and spatial information, amino acid conservation, physicochemical variation, residue mobility, and thermodynamic stability) indicates that this missense variant is not expected to disrupt BRCA1 protein function with a negative predictive value of 80%. In summary, the available evidence is currently insufficient to determine the role of this variant in disease. Therefore, it has been classified as a Variant of Uncertain Significance.

University of Washington Department of Laboratory Medicine, University of Washington
Classification: Likely benign for Hereditary cancer-predisposing syndrome. Last evaluated: 2023-03-23. Review status: criteria provided, single submitter. Criteria: Dines et al. (Genet Med. 2020). Collection method: curation. Allele origin: germline.
Comment: Missense variant in a coldspot region where missense variants are very unlikely to be pathogenic (PMID:31911673).

BRCA1 coldspot (exon 11 using historical exon numbering). Reclassification based on statistical prior probability

Color Diagnostics, LLC DBA Color Health
Classification: Uncertain significance for Hereditary cancer-predisposing syndrome. Last evaluated: 2021-01-07. Review status: criteria provided, single submitter. Criteria: ACMG Guidelines, 2015. Collection method: clinical testing. Allele origin: germline.
Comment: This missense variant replaces glutamic acid with lysine at codon 1353 of the BRCA1 protein. Computational prediction is inconclusive regarding the impact of this variant on protein structure and function (internally defined REVEL score threshold 0.5 < inconclusive < 0.7, PMID: 27666373). To our knowledge, functional studies have not been reported for this variant. This variant has not been reported in individuals affected with hereditary cancer in the literature. This variant has not been identified in the general population by the Genome Aggregation Database (gnomAD). The available evidence is insufficient to determine the role of this variant in disease conclusively. Therefore, this variant is classified as a Variant of Uncertain Significance.